The following is an entry in ClinVar:

ClinVar aggregate classification (germline): Uncertain significance. Review status: criteria provided, multiple submitters, no conflicts (2 of 4 stars). 2 submissions from 2 submitters: Uncertain significance (2). Last evaluated 2024-08-07.

Conditions:
Hereditary cancer-predisposing syndrome. Also called: Hereditary Cancer Syndrome; Tumor predisposition; Neoplastic Syndromes, Hereditary; Hereditary neoplastic syndrome. Identifiers: Orphanet 140162, MedGen C0027672, MeSH D009386, MONDO:0015356.
Ataxia-telangiectasia syndrome (AT). Also called: ATAXIA-TELANGIECTASIA, COMPLEMENTATION GROUP A; Ataxia-telangiectasia, complementation group E; Cerebello-oculocutaneous telangiectasia; Immunodeficiency with ataxia telangiectasia; LOUIS-BAR SYNDROME; ATAXIA-TELANGIECTASIA, FRESNO VARIANT. Identifiers: Orphanet 100, MedGen C0004135, MONDO:0008840, OMIM 208900.

gnomAD v4.1: 1 of 1,614,028 alleles (0.000062%); highest among the groups gnomAD compares: African/African-American, 0.0013%; no homozygotes.

Submissions (2):

Labcorp Genetics (formerly Invitae), Labcorp
Classification: Uncertain significance for Ataxia-telangiectasia syndrome. Last evaluated: 2024-08-07. Review status: criteria provided, single submitter. Criteria: Invitae Variant Classification Sherloc (09022015). Collection method: clinical testing. Allele origin: germline.
Comment: This sequence change replaces histidine, which is basic and polar, with glutamine, which is neutral and polar, at codon 683 of the ATM protein (p.His683Gln). This variant is not present in population databases (gnomAD no frequency). This variant has not been reported in the literature in individuals affected with ATM-related conditions. An algorithm developed to predict the effect of missense changes on protein structure and function (PolyPhen-2) suggests that this variant is likely to be tolerated. In summary, the available evidence is currently insufficient to determine the role of this variant in disease. Therefore, it has been classified as a Variant of Uncertain Significance.

Ambry Genetics
Classification: Uncertain significance for Hereditary cancer-predisposing syndrome. Last evaluated: 2024-03-05. Review status: criteria provided, single submitter. Criteria: Ambry Variant Classification Scheme 2023. Collection method: clinical testing. Allele origin: germline.
Comment: The p.H683Q variant (also known as c.2049C>G), located in coding exon 12 of the ATM gene, results from a C to G substitution at nucleotide position 2049. The histidine at codon 683 is replaced by glutamine, an amino acid with highly similar properties. This amino acid position is well conserved in available vertebrate species. In addition, this alteration is predicted to be tolerated by in silico analysis. Based on the available evidence, the clinical significance of this alteration remains unclear.

NM_000051.4(ATM):c.2049C>G (p.His683Gln)

Gene: ATM (ATM serine/threonine kinase; plus strand). Cytogenetic location: 11q22.3.
Variant type: single nucleotide variant.
Coding change: c.2049C>G on transcript NM_000051.4 (MANE Select); coding-DNA position 2049, C replaced by G.
Protein change: p.His683Gln; replaces histidine 683 with glutamine.
Molecular consequence: missense variant.
Genome position (GRCh38, 1-based): chr11:108,253,964, C>G. VCF-style: chr11-108253964-C-G. GRCh37 (hg19) VCF-style: chr11-108124691-C-G.
Other names: c.2049C>G, p.His683Gln (NM_001351834.2); short protein forms H683Q.
Identifiers: ClinVar variation 3232284 (VCV003232284.3), dbSNP rs2080310621, ClinGen allele CA382537445.